The following is an entry in ClinVar:

NM_153365.3(TAPT1):c.650T>C (p.Ile217Thr)

Gene: TAPT1 (transmembrane anterior posterior transformation 1; minus strand). Cytogenetic location: 4p15.32.
Variant type: single nucleotide variant.
Coding change: c.650T>C on transcript NM_153365.3 (MANE Select); coding-DNA position 650, T replaced by C.
Protein change: p.Ile217Thr; replaces isoleucine 217 with threonine.
Molecular consequence: missense variant.
Genome position (GRCh38, 1-based): chr4:16,188,318, A>G on the plus strand (T>C on the coding strand, the complement: TAPT1 is on the minus strand). VCF-style: chr4-16188318-A-G. GRCh37 (hg19) VCF-style: chr4-16189941-A-G.
Other names: short protein forms I217T.
Identifiers: ClinVar variation 1956733 (VCV001956733.3), dbSNP rs1401876750, ClinGen allele CA356495801.

ClinVar aggregate classification (germline): Uncertain significance (1 of 4 stars; one submission).

Allele frequency attached by ClinVar (database versions not stated): TOPMed below 0.00001; gnomAD exomes 0.00001.
gnomAD v4.1: 8 of 1,608,106 alleles (0.0005%); highest among the groups gnomAD compares: Middle Eastern, 0.066%; no homozygotes.

Submission:

Labcorp Genetics (formerly Invitae), Labcorp
Classification: Uncertain significance. Last evaluated: 2022-06-22. Review status: criteria provided, single submitter. Criteria: Invitae Variant Classification Sherloc (09022015). Collection method: clinical testing. Allele origin: germline.
Comment: In summary, the available evidence is currently insufficient to determine the role of this variant in disease. Therefore, it has been classified as a Variant of Uncertain Significance. Algorithms developed to predict the effect of missense changes on protein structure and function are either unavailable or do not agree on the potential impact of this missense change (SIFT: "Tolerated"; PolyPhen-2: "Probably Damaging"; Align-GVGD: "Class C0"). This variant has not been reported in the literature in individuals affected with TAPT1-related conditions. This variant is present in population databases (no rsID available, gnomAD 0.0009%). This sequence change replaces isoleucine, which is neutral and non-polar, with threonine, which is neutral and polar, at codon 217 of the TAPT1 protein (p.Ile217Thr).